The following is an entry in ClinVar:

ClinVar aggregate classification (germline): Uncertain significance (1 of 4 stars; one submission).

Conditions:
Malignant hyperthermia, susceptibility to, 5 (MHS5). Also called: CACNA1S-Related Malignant Hyperthermia Susceptibility. Identifiers: Orphanet 423, MedGen C1866077, MONDO:0011163, OMIM 601887.

gnomAD v4.1: 6 of 1,614,238 alleles (0.00037%); highest among the groups gnomAD compares: Middle Eastern, 0.049%; no homozygotes.

Submission:

All of Us Research Program, National Institutes of Health
Classification: Uncertain significance for Malignant hyperthermia, susceptibility to, 5. Last evaluated: 2024-07-29. Review status: criteria provided, single submitter. Criteria: ACMG Guidelines, 2015. Collection method: clinical testing. Allele origin: germline. Inheritance: Autosomal dominant inheritance. Observed: 2 variant alleles, 2 heterozygotes.
Comment: This missense variant replaces proline with serine at codon 1822 of the CACNA1S protein. Computational prediction suggests that this variant may not impact protein structure and function (internally defined REVEL score threshold <= 0.5, PMID: 27666373). To our knowledge, functional studies have not been reported for this variant. This variant has not been reported in individuals affected with CACNA1S-related disorders in the literature. This variant has not been identified in the general population by the Genome Aggregation Database (gnomAD). The available evidence is insufficient to determine the role of this variant in disease conclusively. Therefore, this variant is classified as a Variant of Uncertain Significance.

This study involves interpretation of variants in research participants for the purpose of population health screening. Participant phenotype was not available at the time of variant classification. Additional details can be found in publication PMID: 35346344, PMCID: PMC8962531

NM_000069.3(CACNA1S):c.5464C>T (p.Pro1822Ser)

Gene: CACNA1S (calcium voltage-gated channel subunit alpha1 S; minus strand). Cytogenetic location: 1q32.1.
Variant type: single nucleotide variant.
Coding change: c.5464C>T on transcript NM_000069.3 (MANE Select); coding-DNA position 5464, C replaced by T.
Protein change: p.Pro1822Ser; replaces proline 1822 with serine.
Molecular consequence: missense variant.
Genome position (GRCh38, 1-based): chr1:201,039,989, G>A on the plus strand (C>T on the coding strand, the complement: CACNA1S is on the minus strand). VCF-style: chr1-201039989-G-A. GRCh37 (hg19) VCF-style: chr1-201009117-G-A.
Other names: short protein forms P1822S.
Identifiers: ClinVar variation 3070259 (VCV003070259.2), dbSNP rs2464386996, ClinGen allele CA344129144.